The following is an entry in ClinVar:

ClinVar aggregate classification (germline): Likely benign (1 of 4 stars; one submission).

Submission:

CeGaT Center for Human Genetics Tuebingen
Classification: Likely benign. Last evaluated: 2022-12-01. Review status: criteria provided, single submitter. Criteria: CeGaT Center For Human Genetics Tuebingen Variant Classification Criteria Version 2. Collection method: clinical testing. Allele origin: germline. Affected: yes. Observed: 1 variant allele.
Comment: NBPF10: BP4, BP7

NM_001302371.3(NBPF10):c.4821C>G (p.Val1607=)

Gene: NBPF10 (NBPF member 10; minus strand). Cytogenetic location: 1q21.1.
Variant type: single nucleotide variant.
Coding change: c.4821C>G on transcript NM_001302371.3 (MANE Select); coding-DNA position 4821, C replaced by G.
Protein change: p.Val1607=; no amino-acid change (valine 1607 retained).
Molecular consequence: synonymous variant.
Genome position (GRCh38, 1-based): chr1:146,107,477, G>C on the plus strand (C>G on the coding strand, the complement: NBPF10 is on the minus strand). VCF-style: chr1-146107477-G-C. GRCh37 (hg19) VCF-style: chr1-145330722-C-G.
Other names: c.4821C>G, p.Val1607= (NM_001039703.6).
Identifiers: ClinVar variation 2639097 (VCV002639097.24), dbSNP rs1553785158, ClinGen allele CA420316466.